The following is an entry in ClinVar:

ClinVar aggregate classification (germline): Uncertain significance (1 of 4 stars; one submission).

Allele frequency attached by ClinVar (database versions not stated): gnomAD exomes below 0.00001.
gnomAD v4.1: 1 of 1,614,068 alleles (0.000062%); highest among the groups gnomAD compares: Admixed American, 0.0017%; no homozygotes.

Submission:

GeneDx
Classification: Uncertain significance. Last evaluated: 2019-11-08. Review status: criteria provided, single submitter. Criteria: GeneDx Variant Classification Process June 2021. Collection method: clinical testing. Allele origin: germline. Affected: yes.
Comment: Not observed in large population cohorts (Lek et al., 2016); In silico analysis, which includes protein predictors and evolutionary conservation, supports that this variant does not alter protein structure/function; Has not been previously published as pathogenic or benign to our knowledge

NM_004393.6(DAG1):c.2629G>A (p.Gly877Ser)

Gene: DAG1 (dystroglycan 1; plus strand). Cytogenetic location: 3p21.31.
Variant type: single nucleotide variant.
Coding change: c.2629G>A on transcript NM_004393.6 (MANE Select); coding-DNA position 2629, G replaced by A.
Protein change: p.Gly877Ser; replaces glycine 877 with serine.
Molecular consequence: missense variant.
Genome position (GRCh38, 1-based): chr3:49,533,140, G>A. VCF-style: chr3-49533140-G-A. GRCh37 (hg19) VCF-style: chr3-49570573-G-A.
Other names: c.2629G>A, p.Gly877Ser (NM_001165928.4, NM_001177634.3, NM_001177635.3 and 9 more transcripts); short protein forms G877S.
Identifiers: ClinVar variation 1309991 (VCV001309991.3), dbSNP rs2107959292, ClinGen allele CA352798798.